The following is an entry in ClinVar:

NM_001242896.3(DEPDC5):c.4640A>G (p.Asn1547Ser)

Gene: DEPDC5 (DEP domain containing 5, GATOR1 subcomplex subunit; plus strand). Cytogenetic location: 22q12.3.
Variant type: single nucleotide variant.
Coding change: c.4640A>G on transcript NM_001242896.3 (MANE Select); coding-DNA position 4640, A replaced by G.
Protein change: p.Asn1547Ser; replaces asparagine 1547 with serine.
Molecular consequence: missense variant. On other transcripts: non-coding transcript variant (5).
Genome position (GRCh38, 1-based): chr22:31,906,325, A>G. VCF-style: chr22-31906325-A-G. GRCh37 (hg19) VCF-style: chr22-32302311-A-G.
Other names: c.4613A>G, p.Asn1538Ser (NM_001136029.4); c.4340A>G, p.Asn1447Ser (NM_001242897.2); c.4574A>G, p.Asn1525Ser (NM_001363852.2, NM_001364320.2); c.4406A>G, p.Asn1469Ser (NM_001363854.2, NM_001364319.2); c.4640A>G, p.Asn1547Ser (NM_001364318.2); c.4556A>G, p.Asn1519Ser (NM_001369901.1, NM_001369902.1); c.4547A>G, p.Asn1516Ser (NM_001369903.1, NM_014662.6); c.4640A>G (NM_001242896.1); short protein forms N1447S, N1469S, N1516S, N1519S, N1525S, N1538S, N1547S.
Identifiers: ClinVar variation 2419857 (VCV002419857.7), dbSNP rs1461545989, ClinGen allele CA411292614.

ClinVar aggregate classification (germline): Uncertain significance. Review status: criteria provided, multiple submitters, no conflicts (2 of 4 stars). 2 submissions from 2 submitters: Uncertain significance (2). Last evaluated 2025-03-25.

Conditions:
Inborn genetic diseases. Identifiers: MedGen C0950123, MeSH D030342.
Familial focal epilepsy with variable foci (FPEVF). Identifiers: Orphanet 98820, MedGen C1858477, MONDO:0020310.

gnomAD v4.1: 2 of 1,613,976 alleles (0.00012%); highest among the groups gnomAD compares: Non-Finnish European, 0.00017%; no homozygotes.

Submissions (2):

Ambry Genetics
Classification: Uncertain significance for Inborn genetic diseases. Last evaluated: 2025-03-25. Review status: criteria provided, single submitter. Criteria: Ambry Variant Classification Scheme 2023. Collection method: clinical testing. Allele origin: germline.

Labcorp Genetics (formerly Invitae), Labcorp
Classification: Uncertain significance for Familial focal epilepsy with variable foci. Last evaluated: 2024-08-01. Review status: criteria provided, single submitter. Criteria: Invitae Variant Classification Sherloc (09022015). Collection method: clinical testing. Allele origin: germline.
Comment: This sequence change replaces asparagine, which is neutral and polar, with serine, which is neutral and polar, at codon 1547 of the DEPDC5 protein (p.Asn1547Ser). This variant is not present in population databases (gnomAD no frequency). This variant has not been reported in the literature in individuals affected with DEPDC5-related conditions. ClinVar contains an entry for this variant (Variation ID: 2419857). An algorithm developed to predict the effect of missense changes on protein structure and function outputs the following: PolyPhen-2: "Not Available". The serine amino acid residue is found in multiple mammalian species, which suggests that this missense change does not adversely affect protein function. In summary, the available evidence is currently insufficient to determine the role of this variant in disease. Therefore, it has been classified as a Variant of Uncertain Significance.